The following is an entry in ClinVar:

NM_001148.6(ANK2):c.85-28511G>T

Gene: ANK2 (ankyrin 2; plus strand). Cytogenetic location: 4q25.
Variant type: single nucleotide variant.
Coding change: c.85-28511G>T on transcript NM_001148.6 (MANE Select); 28511 bases into the intron before coding-DNA position 85, G replaced by T.
Molecular consequence: intron variant. On other transcripts: missense variant (2).
Genome position (GRCh38, 1-based): chr4:113,145,905, G>T. VCF-style: chr4-113145905-G-T. GRCh37 (hg19) VCF-style: chr4-114067061-G-T.
Other names: c.22-5175G>T (NM_001386160.1, NM_001386147.1, NM_001354261.2); c.22-28511G>T (NM_001354254.2, NM_001354239.2, NM_001354252.2 and 33 more transcripts); c.37G>T, p.Asp13Tyr (NM_001386174.1, NM_001386175.1); c.73-28511G>T (NM_001386186.2, NM_001386148.2, NM_001354269.3 and 1 more transcripts); c.85-5175G>T (NM_001354241.2); c.85-28511G>T (NM_001354225.2, NM_001354235.2, NM_001354246.2 and 10 more transcripts); c.129+28487G>T (NM_001386152.1, NM_001354237.2, NM_001354230.2 and 4 more transcripts); short protein forms D13Y.
Identifiers: ClinVar variation 2655032 (VCV002655032.25), dbSNP rs55847200, ClinGen allele CA3049891.

ClinVar aggregate classification (germline): Benign. Review status: criteria provided, multiple submitters, no conflicts (2 of 4 stars). 2 submissions from 2 submitters: Benign (2). Last evaluated 2026-09-01.

Allele frequency attached by ClinVar (database versions not stated): gnomAD exomes 0.00573; 1000 Genomes Project 0.00160; 1000 Genomes Project 30x 0.00219; TOPMed 0.00417; ExAC 0.00448.
gnomAD v4.1: 7,062 of 1,289,812 alleles (0.55%); highest among the groups gnomAD compares: Non-Finnish European, 0.63%; 29 homozygotes.

Submissions (2):

CeGaT Center for Human Genetics Tuebingen
Classification: Benign. Last evaluated: 2026-09-01. Review status: criteria provided, single submitter. Criteria: CeGaT Center For Human Genetics Tuebingen Variant Classification Criteria Version 2. Collection method: clinical testing. Allele origin: germline. Affected: yes. Observed: 19 variant alleles.
Comment: ANK2: BP4, BS1, BS2

Molecular Diagnostic Laboratory for Inherited Cardiovascular Disease, Montreal Heart Institute
Classification: Benign. Last evaluated: 2025-04-09. Review status: criteria provided, single submitter. Criteria: ACMG Guidelines, 2015. Collection method: clinical testing. Allele origin: germline. Affected: no.